The following is an entry in ClinVar:

NM_001367624.2(ZNF469):c.3571T>A (p.Cys1191Ser)

Gene: ZNF469 (zinc finger protein 469; plus strand). Cytogenetic location: 16q24.2.
Variant type: single nucleotide variant.
Coding change: c.3571T>A on transcript NM_001367624.2 (MANE Select); coding-DNA position 3571, T replaced by A.
Protein change: p.Cys1191Ser; replaces cysteine 1191 with serine.
Molecular consequence: missense variant.
Genome position (GRCh38, 1-based): chr16:88,431,041, T>A. VCF-style: chr16-88431041-T-A. GRCh37 (hg19) VCF-style: chr16-88497449-T-A.
Other names: NM_001127464.1:c.3487T>A; short protein forms C1191S.
Identifiers: ClinVar variation 3258217 (VCV003258217.1).

ClinVar aggregate classification (germline): Uncertain significance (1 of 4 stars; one submission).

Conditions:
Cardiovascular phenotype. Identifiers: MedGen CN230736.

Submission:

Ambry Genetics
Classification: Uncertain significance for Cardiovascular phenotype. Last evaluated: 2024-03-27. Review status: criteria provided, single submitter. Criteria: Ambry Variant Classification Scheme 2023. Collection method: clinical testing. Allele origin: germline.
Comment: The p.C1163S variant (also known as c.3487T>A), located in coding exon 2 of the ZNF469 gene, results from a T to A substitution at nucleotide position 3487. The cysteine at codon 1163 is replaced by serine, an amino acid with dissimilar properties. This amino acid position is conserved. In addition, this alteration is predicted to be tolerated by in silico analysis. Based on the available evidence, the clinical significance of this alteration remains unclear.